The following is an entry in ClinVar:

ClinVar aggregate classification (germline): Pathogenic (1 of 4 stars; one submission).

Conditions:
Rare genetic deafness. Identifiers: Orphanet 96210, MedGen C5680250.

Submission:

Laboratory for Molecular Medicine, Mass General Brigham Personalized Medicine
Classification: Pathogenic for Rare genetic deafness. Last evaluated: 2013-07-30. Review status: criteria provided, single submitter. Criteria: LMM Criteria. Collection method: clinical testing. Allele origin: germline. Inheritance: Autosomal recessive inheritance. Observed: 3 variant alleles.
Comment: This variant is a deletion of exon 27 of USH2A and is pre dicted to result in an absent or truncated protein. Several large deletions that span one or more exons of the USH2A gene have been reported in Usher syndrome p robands (Baux 2007, Dreyer 2008, Le Quesne Stabej 2012, Steele-Stallard 2013). I n summary, this variant meets criteria to be classified as pathogenic for Usher syndrome in an autosomal recessive manner based upon its predict impact on the p rotein.

Literature cited by the submitters: PubMed 17405132; PubMed 22135276; PubMed 18273898; PubMed 23924366.

NM_206933.2(USH2A):c.(?_5299)_(5572_?)del (p.(?))

Gene: USH2A (usherin; minus strand). Cytogenetic location: 1q41.
Variant type: Deletion.
Identifiers: ClinVar variation 989466 (VCV000989466.4).